The following is an entry in ClinVar:

ClinVar aggregate classification (germline): Uncertain significance (1 of 4 stars; one submission).

Submission:

Labcorp Genetics (formerly Invitae), Labcorp
Classification: Uncertain significance. Last evaluated: 2022-03-26. Review status: criteria provided, single submitter. Criteria: Invitae Variant Classification Sherloc (09022015). Collection method: clinical testing. Allele origin: germline.
Comment: This sequence change replaces valine, which is neutral and non-polar, with isoleucine, which is neutral and non-polar, at codon 986 of the FAT4 protein (p.Val986Ile). This variant is not present in population databases (gnomAD no frequency). This variant has not been reported in the literature in individuals affected with FAT4-related conditions. Advanced modeling of protein sequence and biophysical properties (such as structural, functional, and spatial information, amino acid conservation, physicochemical variation, residue mobility, and thermodynamic stability) performed at Invitae indicates that this missense variant is not expected to disrupt FAT4 protein function. In summary, the available evidence is currently insufficient to determine the role of this variant in disease. Therefore, it has been classified as a Variant of Uncertain Significance.

NM_001291303.3(FAT4):c.2956G>A (p.Val986Ile)

Gene: FAT4 (FAT atypical cadherin 4; plus strand). Cytogenetic location: 4q28.1.
Variant type: single nucleotide variant.
Coding change: c.2956G>A on transcript NM_001291303.3 (MANE Select); coding-DNA position 2956, G replaced by A.
Protein change: p.Val986Ile; replaces valine 986 with isoleucine.
Molecular consequence: missense variant.
Genome position (GRCh38, 1-based): chr4:125,319,367, G>A. VCF-style: chr4-125319367-G-A. GRCh37 (hg19) VCF-style: chr4-126240522-G-A.
Other names: c.2956G>A, p.Val986Ile (NM_001291285.3, NM_024582.6); short protein forms V986I.
Identifiers: ClinVar variation 2176444 (VCV002176444.4), dbSNP rs2530439518, ClinGen allele CA358121460.